The following is an entry in ClinVar:

NM_001007553.3(CSDE1):c.2218G>C (p.Glu740Gln)

Gene: CSDE1 (cold shock domain containing E1; minus strand). Cytogenetic location: 1p13.2.
Variant type: single nucleotide variant.
Coding change: c.2218G>C on transcript NM_001007553.3 (MANE Select); coding-DNA position 2218, G replaced by C.
Protein change: p.Glu740Gln; replaces glutamic acid 740 with glutamine.
Molecular consequence: missense variant.
Genome position (GRCh38, 1-based): chr1:114,718,744, C>G on the plus strand (G>C on the coding strand, the complement: CSDE1 is on the minus strand). VCF-style: chr1-114718744-C-G. GRCh37 (hg19) VCF-style: chr1-115261365-C-G.
Other names: c.2263G>C, p.Glu755Gln (NM_001130523.3); c.2356G>C, p.Glu786Gln (NM_001242891.2); c.2218G>C, p.Glu740Gln (NM_001242892.2); c.2125G>C, p.Glu709Gln (NM_001242893.2, NM_007158.6); short protein forms E740Q, E755Q, E709Q, E786Q.
Identifiers: ClinVar variation 3269726 (VCV003269726.2).

ClinVar aggregate classification (germline): Uncertain significance (1 of 4 stars; one submission).

Conditions:
Inborn genetic diseases. Identifiers: MedGen C0950123, MeSH D030342.

gnomAD v4.1: 4 of 1,613,688 alleles (0.00025%); highest among the groups gnomAD compares: Non-Finnish European, 0.00034%; no homozygotes.

Submission:

Ambry Genetics
Classification: Uncertain significance for Inborn genetic diseases. Last evaluated: 2026-07-19. Review status: criteria provided, single submitter. Criteria: Ambry Variant Classification Scheme 2023. Collection method: clinical testing. Allele origin: germline.
Comment: The c.2356G>C (p.E786Q) alteration is located in exon 20 (coding exon 18) of the CSDE1 gene. This alteration results from a G to C substitution at nucleotide position 2356, causing the glutamic acid (E) at amino acid position 786 to be replaced by a glutamine (Q). Based on data from gnomAD, the C allele has an overall frequency of <0.001% (1/250850) total alleles studied. The highest observed frequency was 0.001% (1/113478) of European (non-Finnish) alleles. Based on insufficient or conflicting evidence, the clinical significance of this alteration remains unclear.